The following is an entry in ClinVar:

NM_001367916.1(MAGT1):c.-5C>T

Genes: MAGT1 (magnesium transporter 1; minus strand), LOC130068460 (ATAC-STARR-seq lymphoblastoid active region 29781; plus strand). Cytogenetic location: Xq21.1.
Variant type: single nucleotide variant.
Coding change: c.-5C>T on transcript NM_001367916.1 (MANE Select); 5 bases upstream of the start codon, C replaced by T.
Molecular consequence: 5 prime UTR variant. On other transcripts: missense variant (1).
Genome position (GRCh38, 1-based): chrX:77,895,415, G>A on the plus strand (C>T on the coding strand, the complement: MAGT1 is on the minus strand). VCF-style: chrX-77895415-G-A. GRCh37 (hg19) VCF-style: chrX-77150912-G-A.
Other names: c.92C>T, p.Ala31Val (LRG_353t1, NM_032121.5); short protein forms A31V.
Identifiers: ClinVar variation 644106 (VCV000644106.8), dbSNP rs199604767, ClinGen allele CA10458620.

ClinVar aggregate classification (germline): Uncertain significance. Review status: criteria provided, multiple submitters, no conflicts (2 of 4 stars). 2 submissions from 2 submitters: Uncertain significance (2). Last evaluated 2025-06-22.

Conditions:
X-linked immunodeficiency with magnesium defect, Epstein-Barr virus infection and neoplasia. Identifiers: Orphanet 317476, MedGen C3275445, MONDO:0010455, OMIM 300853.

Allele frequency attached by ClinVar (database versions not stated): ExAC 0.00001; gnomAD exomes 0.00004; gnomAD 0.00005 and 0.00007; TOPMed 0.00006; 1000 Genomes Project 0.00026; 1000 Genomes Project 30x 0.00042.
gnomAD v4.1: 140 of 1,209,397 alleles (0.012%); highest among the groups gnomAD compares: Non-Finnish European, 0.015%; no homozygotes.

Submissions (2):

Labcorp Genetics (formerly Invitae), Labcorp
Classification: Uncertain significance for X-linked immunodeficiency with magnesium defect, Epstein-Barr virus infection and neoplasia. Last evaluated: 2025-06-22. Review status: criteria provided, single submitter. Criteria: Invitae Variant Classification Sherloc (09022015). Collection method: clinical testing. Allele origin: germline.
Comment: This sequence change replaces alanine, which is neutral and non-polar, with valine, which is neutral and non-polar, at codon 31 of the MAGT1 protein (p.Ala31Val). This variant is present in population databases (rs199604767, gnomAD 0.007%). This variant has not been reported in the literature in individuals affected with MAGT1-related conditions. ClinVar contains an entry for this variant (Variation ID: 644106). An algorithm developed to predict the effect of missense changes on protein structure and function outputs the following: PolyPhen-2: "Benign". The valine amino acid residue is found in multiple mammalian species, which suggests that this missense change does not adversely affect protein function. In summary, the available evidence is currently insufficient to determine the role of this variant in disease. Therefore, it has been classified as a Variant of Uncertain Significance.

Blueprint Genetics
Classification: Uncertain significance. Last evaluated: 2020-10-30. Review status: criteria provided, single submitter. Criteria: ACMG Guidelines, 2015. Collection method: clinical testing. Allele origin: germline.